The following is an entry in ClinVar:

ClinVar aggregate classification (germline): Likely pathogenic (0 of 4 stars; one submission).

Conditions:
MBOAT7-related disorder. Also called: MBOAT7-related condition.

Submission:

PreventionGenetics, part of Exact Sciences
Classification: Likely pathogenic for MBOAT7-related condition. Last evaluated: 2023-10-23. Review status: no assertion criteria provided. Collection method: clinical testing. Allele origin: germline.
Comment: The MBOAT7 c.655_736dup82 variant is predicted to result in premature protein termination (p.Tyr246*). To our knowledge, this variant has not been reported in the literature or in a large population database, indicating this variant is rare. Nonsense variants in MBOAT7 are expected to be pathogenic. This variant is interpreted as likely pathogenic.

NM_024298.5(MBOAT7):c.655_736dup (p.Tyr246Ter)

Gene: MBOAT7 (membrane bound acylglycerophosphatidylinositol O-acyltransferase MBOAT7; minus strand). Cytogenetic location: 19q13.42.
Variant type: Duplication.
Coding change: c.655_736dup on transcript NM_024298.5 (MANE Select); coding-DNA positions 655 to 736, 82 bases duplicated.
Protein change: p.Tyr246Ter; replaces tyrosine 246 with a stop codon.
Molecular consequence: nonsense.
Genome position (GRCh38, 1-based): chr19:54,180,891-54,180,972, 82 bases duplicated. GRCh37 (hg19): chr19:54,684,608-54,684,689.
Other names: c.436_517dup, p.Tyr173Ter (NM_001146056.3, NM_001146083.3); c.655_736dup, p.Tyr246Ter (NM_001146082.3); short protein forms Y173*, Y246*.
Identifiers: ClinVar variation 3053791 (VCV003053791.2), dbSNP rs2515178934, ClinGen allele CA2740096971.